The following is an entry in ClinVar:

NM_000143.4(FH):c.37C>G (p.Pro13Ala)

Gene: FH (fumarate hydratase; minus strand). Cytogenetic location: 1q43.
Variant type: single nucleotide variant.
Coding change: c.37C>G on transcript NM_000143.4 (MANE Select); coding-DNA position 37, C replaced by G.
Protein change: p.Pro13Ala; replaces proline 13 with alanine.
Molecular consequence: missense variant.
Genome position (GRCh38, 1-based): chr1:241,519,686, G>C on the plus strand (C>G on the coding strand, the complement: FH is on the minus strand). VCF-style: chr1-241519686-G-C. GRCh37 (hg19) VCF-style: chr1-241682986-G-C.
Other names: short protein forms P13A.
Identifiers: ClinVar variation 134412 (VCV000134412.11), dbSNP rs587778360, ClinGen allele CA159734.

ClinVar aggregate classification (germline): Uncertain significance. Review status: criteria provided, multiple submitters, no conflicts (2 of 4 stars). 5 submissions from 5 submitters: Uncertain significance (4). 1 of the submissions does not count toward it. Last evaluated 2025-04-08.

Conditions:
Hereditary cancer-predisposing syndrome. Also called: Tumor predisposition; Hereditary neoplastic syndrome; Hereditary Cancer Syndrome; Neoplastic Syndromes, Hereditary. Identifiers: Orphanet 140162, MedGen C0027672, MeSH D009386, MONDO:0015356.
Hereditary leiomyomatosis and renal cell cancer. Also called: LEIOMYOMA, MULTIPLE CUTANEOUS; Reed syndrome; Multiple cutaneous and uterine leiomyomatosis; Cutaneous leiomyomata with uterine leiomyomata; Leiomyoma, hereditary multiple, of skin; Multiple cutaneous and uterine leiomyomata. Identifiers: Orphanet 523, MedGen C1708350, MONDO:0007888, OMIM 150800, HP:0007437. Disease mechanism: loss of function.
Fumarase deficiency (FMRD). Also called: Fumarate Hydratase Deficiency; Fumaric aciduria. Identifiers: Orphanet 24, MedGen C0342770, MONDO:0011730, OMIM 606812.

Allele frequency attached by ClinVar (database versions not stated): TOPMed 0.00001.
gnomAD v4.1: 8 of 1,547,162 alleles (0.00052%); highest among the groups gnomAD compares: Admixed American, 0.0059%; no homozygotes.

Submissions (5):

Labcorp Genetics (formerly Invitae), Labcorp
Classification: Uncertain significance. Last evaluated: 2025-04-08. Review status: criteria provided, single submitter. Criteria: Invitae Variant Classification Sherloc (09022015). Collection method: clinical testing. Allele origin: germline.
Comment: This sequence change replaces proline, which is neutral and non-polar, with alanine, which is neutral and non-polar, at codon 13 of the FH protein (p.Pro13Ala). This variant is present in population databases (rs587778360, gnomAD 0.007%). This variant has not been reported in the literature in individuals affected with FH-related conditions. ClinVar contains an entry for this variant (Variation ID: 134412). Invitae Evidence Modeling of protein sequence and biophysical properties (such as structural, functional, and spatial information, amino acid conservation, physicochemical variation, residue mobility, and thermodynamic stability) indicates that this missense variant is not expected to disrupt FH protein function with a negative predictive value of 95%. In summary, the available evidence is currently insufficient to determine the role of this variant in disease. Therefore, it has been classified as a Variant of Uncertain Significance.

Ambry Genetics
Classification: Uncertain significance for Hereditary cancer-predisposing syndrome. Last evaluated: 2024-07-13. Review status: criteria provided, single submitter. Criteria: Ambry Variant Classification Scheme 2023. Collection method: clinical testing. Allele origin: germline.
Comment: The p.P13A variant (also known as c.37C>G), located in coding exon 1 of the FH gene, results from a C to G substitution at nucleotide position 37. The proline at codon 13 is replaced by alanine, an amino acid with highly similar properties. This amino acid position is poorly conserved in available vertebrate species. In addition, this alteration is predicted to be tolerated by in silico analysis. Since supporting evidence is limited at this time, the clinical significance of this alteration remains unclear.

Fulgent Genetics
Classification: Uncertain significance for Hereditary leiomyomatosis and renal cell cancer; Fumarase deficiency. Last evaluated: 2024-04-22. Review status: criteria provided, single submitter. Criteria: ACMG Guidelines, 2015. Collection method: clinical testing. Allele origin: germline.

Quest Diagnostics Nichols Institute San Juan Capistrano
Classification: Uncertain significance. Last evaluated: 2022-09-13. Review status: criteria provided, single submitter. Criteria: Quest Diagnostics criteria. Collection method: clinical testing. Allele origin: unknown.
Comment: It has not been reported in large, multi-ethnic general populations. In the published literature, the variant has been reported in a study on healthy, ancestrally diverse individuals (PMID: 24728327 (2014)). Analysis of this variant using bioinformatics tools for the prediction of the effect of amino acid changes on protein structure and function yielded predictions that this variant is benign. Based on the available information, we are unable to determine the clinical significance of this variant.

ITMI
No classification provided. Condition: AllHighlyPenetrant. Last evaluated: 2013-09-19. Review status: no classification provided. Collection method: reference population. Allele origin: germline. Not counted in ClinVar's aggregate classification.
Comment: Please see associated publication for description of ethnicities

Literature cited by the submitters: PubMed 24728327 (cited by Quest Diagnostics Nichols Institute San Juan Capistrano and ITMI).